The following is an entry in ClinVar:

ClinVar aggregate classification (germline): Conflicting classifications of pathogenicity. Review status: criteria provided, conflicting classifications (1 of 4 stars). 2 submissions from 2 submitters: Uncertain significance (1); Likely benign (1). Last evaluated 2024-11-21.

Conditions:
Inborn genetic diseases. Identifiers: MedGen C0950123, MeSH D030342.
Occult macular dystrophy (OCMD). Also called: OMD; OCCULT MACULAR DYSTROPHY, SUSCEPTIBILITY TO. Identifiers: Orphanet 247834, MedGen C3150833, MONDO:0013316, OMIM 613587, HP:0030636.

Allele frequency attached by ClinVar (database versions not stated): gnomAD 0.00001; ExAC 0.00002; gnomAD exomes 0.00002; TOPMed 0.00002; ESP Exome Variant Server 0.00008.
gnomAD v4.1: 46 of 1,606,186 alleles (0.0029%); highest among the groups gnomAD compares: Non-Finnish European, 0.0036%; no homozygotes.

Submissions (2):

Ambry Genetics
Classification: Uncertain significance for Inborn genetic diseases. Last evaluated: 2024-11-21. Review status: criteria provided, single submitter. Criteria: Ambry Variant Classification Scheme 2023. Collection method: clinical testing. Allele origin: germline.

Illumina Laboratory Services, Illumina
Classification: Likely benign for Occult macular dystrophy. Last evaluated: 2018-01-13. Review status: criteria provided, single submitter. Criteria: ICSL Variant Classification Criteria 13 December 2019. Collection method: clinical testing. Allele origin: germline.
Comment: This variant was observed in the ICSL laboratory as part of a predisposition screen in an ostensibly healthy population. It had not been previously curated by ICSL or reported in the Human Gene Mutation Database (HGMD: prior to June 1st, 2018), and was therefore a candidate for classification through an automated scoring system. Utilizing variant allele frequency, disease prevalence and penetrance estimates, and inheritance mode, an automated score was calculated to assess if this variant is too frequent to cause the disease. Based on the score and internal cut-off values, a variant classified as likely benign is not then subjected to further curation. The score for this variant resulted in a classification of likely benign for this disease.

NM_178857.6(RP1L1):c.6380C>T (p.Pro2127Leu)

Gene: RP1L1 (RP1 like 1). Cytogenetic location: 8p23.1.
Variant type: single nucleotide variant.
Coding change: c.6380C>T on transcript NM_178857.6 (MANE Select); coding-DNA position 6380, C replaced by T.
Protein change: p.Pro2127Leu; replaces proline 2127 with leucine.
Molecular consequence: missense variant.
Genome position (GRCh38, 1-based): chr8:10,607,718, G>A on the plus strand (C>T on the coding strand, the complement: RP1L1 is on the minus strand). VCF-style: chr8-10607718-G-A. GRCh37 (hg19) VCF-style: chr8-10465228-G-A.
Other names: short protein forms P2127L.
Identifiers: ClinVar variation 361224 (VCV000361224.6), dbSNP rs375714703, ClinGen allele CA4623351.